The following is an entry in ClinVar:

NM_182961.4(SYNE1):c.6191A>G (p.Glu2064Gly)

Gene: SYNE1 (spectrin repeat containing nuclear envelope protein 1; minus strand). Cytogenetic location: 6q25.2.
Variant type: single nucleotide variant.
Coding change: c.6191A>G on transcript NM_182961.4 (MANE Select); coding-DNA position 6191, A replaced by G.
Protein change: p.Glu2064Gly; replaces glutamic acid 2064 with glycine.
Molecular consequence: missense variant.
Genome position (GRCh38, 1-based): chr6:152,413,391, T>C on the plus strand (A>G on the coding strand, the complement: SYNE1 is on the minus strand). VCF-style: chr6-152413391-T-C. GRCh37 (hg19) VCF-style: chr6-152734526-T-C.
Other names: c.6212A>G, p.Glu2071Gly (NM_033071.5); short protein forms E2064G, E2071G.
Identifiers: ClinVar variation 2935768 (VCV002935768.3), dbSNP rs1240992519, ClinGen allele CA366129100.

ClinVar aggregate classification (germline): Uncertain significance (1 of 4 stars; one submission).

Conditions:
Emery-Dreifuss muscular dystrophy 4, autosomal dominant (EDMD4). Also called: EMERY-DREIFUSS MUSCULAR DYSTROPHY 4 WITH VARIABLE FEATURES. Identifiers: Orphanet 261, MedGen C2751807, MONDO:0013071, OMIM 612998.
Autosomal recessive ataxia, Beauce type. Also called: Spinocerebellar ataxia, autosomal recessive 8; ATAXIA, RECESSIVE, OF BEAUCE; SYNE1-Related Autosomal Recessive Cerebellar Ataxia; SYNE1 Deficiency. Identifiers: Orphanet 88644, MedGen C1853116, MONDO:0012549, OMIM 610743.

Allele frequency attached by ClinVar (database versions not stated): TOPMed below 0.00001; gnomAD 0.00001.
gnomAD v4.1: 2 of 1,614,034 alleles (0.00012%); highest among the groups gnomAD compares: East Asian, 0.0022%; no homozygotes.

Submission:

Labcorp Genetics (formerly Invitae), Labcorp
Classification: Uncertain significance for Emery-Dreifuss muscular dystrophy 4, autosomal dominant; Autosomal recessive ataxia, Beauce type. Last evaluated: 2023-08-16. Review status: criteria provided, single submitter. Criteria: Invitae Variant Classification Sherloc (09022015). Collection method: clinical testing. Allele origin: germline.
Comment: This sequence change replaces glutamic acid, which is acidic and polar, with glycine, which is neutral and non-polar, at codon 2071 of the SYNE1 protein (p.Glu2071Gly). An algorithm developed to predict the effect of missense changes on protein structure and function (PolyPhen-2) suggests that this variant is likely to be tolerated. This variant has not been reported in the literature in individuals affected with SYNE1-related conditions. This variant is present in population databases (no rsID available, gnomAD 0.06%). In summary, the available evidence is currently insufficient to determine the role of this variant in disease. Therefore, it has been classified as a Variant of Uncertain Significance.